The following is an entry in ClinVar:

ClinVar aggregate classification (germline): Uncertain significance (1 of 4 stars; one submission).

Conditions:
Hereditary cancer-predisposing syndrome. Also called: Neoplastic Syndromes, Hereditary; Tumor predisposition; Hereditary neoplastic syndrome; Hereditary Cancer Syndrome. Identifiers: Orphanet 140162, MedGen C0027672, MeSH D009386, MONDO:0015356.

Submission:

Ambry Genetics
Classification: Uncertain significance for Hereditary cancer-predisposing syndrome. Last evaluated: 2026-07-07. Review status: criteria provided, single submitter. Criteria: Ambry Variant Classification Scheme 2023. Collection method: clinical testing. Allele origin: germline.
Comment: The p.S222T variant (also known as c.664T>A), located in coding exon 7 of the SDHB gene, results from a T to A substitution at nucleotide position 664. The serine at codon 222 is replaced by threonine, an amino acid with similar properties. This amino acid position is conserved. In addition, this alteration is predicted to be deleterious by in silico analysis. Based on the available evidence, the clinical significance of this variant remains unclear.

NM_003000.3(SDHB):c.664T>A (p.Ser222Thr)

Gene: SDHB (succinate dehydrogenase complex iron sulfur subunit B; minus strand). Cytogenetic location: 1p36.13.
Variant type: single nucleotide variant.
Coding change: c.664T>A on transcript NM_003000.3 (MANE Select); coding-DNA position 664, T replaced by A.
Protein change: p.Ser222Thr; replaces serine 222 with threonine.
Molecular consequence: missense variant.
Genome position (GRCh38, 1-based): chr1:17,022,709, A>T on the plus strand (T>A on the coding strand, the complement: SDHB is on the minus strand). VCF-style: chr1-17022709-A-T. GRCh37 (hg19) VCF-style: chr1-17349204-A-T.
Other names: c.610T>A, p.Ser204Thr (NM_001407361.1); short protein forms S204T, S222T.
Identifiers: ClinVar variation 5029275 (VCV005029275.1).
Genomic context (GRCh38, chr1:17,022,709, plus strand): 5'-GGTATAGAGAGAATGGGTCCTGCAGCTTGGCCAGGCGCTCCTCTGTGAAGTCATCTCTGG[A>T]GTCAATCATCCAGCGATAGGCCTGGAAAACCAGGGATGATTAGCTGAGCTGCCAATCAAC-3'
Protein context (NP_002991.2, residues 212-232): LMQAYRWMID[Ser222Thr]RDDFTEERLA